The following is an entry in ClinVar:

NM_001848.3(COL6A1):c.1267G>A (p.Glu423Lys)

Gene: COL6A1 (collagen type VI alpha 1 chain; plus strand). Cytogenetic location: 21q22.3.
Variant type: single nucleotide variant.
Coding change: c.1267G>A on transcript NM_001848.3 (MANE Select); coding-DNA position 1267, G replaced by A.
Protein change: p.Glu423Lys; replaces glutamic acid 423 with lysine.
Molecular consequence: missense variant.
Genome position (GRCh38, 1-based): chr21:45,992,393, G>A. VCF-style: chr21-45992393-G-A. GRCh37 (hg19) VCF-style: chr21-47412307-G-A.
Other names: short protein forms E423K.
Identifiers: ClinVar variation 424413 (VCV000424413.2), dbSNP rs1064796958, ClinGen allele CA16621027.

ClinVar aggregate classification (germline): Uncertain significance (1 of 4 stars; one submission).

Allele frequency attached by ClinVar (database versions not stated): gnomAD exomes below 0.00001.
gnomAD v4.1: 3 of 1,613,238 alleles (0.00019%); highest among the groups gnomAD compares: Non-Finnish European, 0.00025%; no homozygotes.

Submission:

GeneDx
Classification: Uncertain significance. Last evaluated: 2017-03-21. Review status: criteria provided, single submitter. Criteria: GeneDx Variant Classification (06012015). Collection method: clinical testing. Allele origin: germline. Affected: yes.
Comment: The E423K variant in the COL6A1 gene has not been reported previously as a pathogenic variant, nor as a benign variant, to our knowledge. This variant is not observed in large population cohorts (Lek et al., 2016; 1000 Genomes Consortium et al., 2015; Exome Variant Server). The E423K variant is a non-conservative amino acid substitution, which is likely to impact secondary protein structure as these residues differ in polarity, charge, size and/or other properties. This substitution occurs at a position that is conserved in mammals. In silico analysis is inconsistent in its predictions as to whether or not the variant is damaging to the protein structure/function. We interpret E423K as a variant of uncertain significance.